The following is an entry in ClinVar:

NM_015164.4(PLEKHM2):c.2267A>T (p.Glu756Val)

Gene: PLEKHM2 (pleckstrin homology and RUN domain containing M2; plus strand). Cytogenetic location: 1p36.21.
Variant type: single nucleotide variant.
Coding change: c.2267A>T on transcript NM_015164.4 (MANE Select); coding-DNA position 2267, A replaced by T.
Protein change: p.Glu756Val; replaces glutamic acid 756 with valine.
Molecular consequence: missense variant.
Genome position (GRCh38, 1-based): chr1:15,730,590, A>T. VCF-style: chr1-15730590-A-T. GRCh37 (hg19) VCF-style: chr1-16057085-A-T.
Other names: short protein forms E756V.
Identifiers: ClinVar variation 1488508 (VCV001488508.8), dbSNP rs2068127720, ClinGen allele CA338570702.

ClinVar aggregate classification (germline): Uncertain significance (1 of 4 stars; one submission).

Allele frequency attached by ClinVar (database versions not stated): gnomAD 0.00001; TOPMed 0.00001.
gnomAD v4.1: 1 of 1,605,936 alleles (0.000062%); highest among the groups gnomAD compares: Non-Finnish European, 0.000085%; no homozygotes.

Submission:

Labcorp Genetics (formerly Invitae), Labcorp
Classification: Uncertain significance. Last evaluated: 2025-12-08. Review status: criteria provided, single submitter. Criteria: Invitae Variant Classification Sherloc (09022015). Collection method: clinical testing. Allele origin: germline.
Comment: This sequence change replaces glutamic acid, which is acidic and polar, with valine, which is neutral and non-polar, at codon 756 of the PLEKHM2 protein (p.Glu756Val). This variant is not present in population databases (gnomAD no frequency). This variant has not been reported in the literature in individuals affected with PLEKHM2-related conditions. ClinVar contains an entry for this variant (Variation ID: 1488508). An algorithm developed to predict the effect of missense changes on protein structure and function (PolyPhen-2) suggests that this variant is likely to be tolerated. In summary, the available evidence is currently insufficient to determine the role of this variant in disease. Therefore, it has been classified as a Variant of Uncertain Significance.